The following is an entry in ClinVar:

NM_004168.4(SDHA):c.1794+1G>A

Gene: SDHA (succinate dehydrogenase complex flavoprotein subunit A; plus strand). Cytogenetic location: 5p15.33.
Variant type: single nucleotide variant.
Coding change: c.1794+1G>A on transcript NM_004168.4 (MANE Select); the canonical splice donor site of the intron after coding-DNA position 1794, G replaced by A.
Molecular consequence: splice donor variant. On other transcripts: intron variant (1).
Genome position (GRCh38, 1-based): chr5:251,469, G>A. VCF-style: chr5-251469-G-A. GRCh37 (hg19) VCF-style: chr5-251584-G-A.
Other names: c.1552-2924G>A (NM_001330758.2); c.1650+1G>A (NM_001294332.2).
Identifiers: ClinVar variation 232169 (VCV000232169.15), dbSNP rs876659595, ClinGen allele CA10578632.

ClinVar aggregate classification (germline): Likely pathogenic. Review status: criteria provided, multiple submitters, no conflicts (2 of 4 stars). 4 submissions from 4 submitters: Likely pathogenic (4). Last evaluated 2026-05-08.

Conditions:
Hereditary cancer-predisposing syndrome. Also called: Hereditary Cancer Syndrome; Hereditary neoplastic syndrome; Neoplastic Syndromes, Hereditary; Tumor predisposition. Identifiers: Orphanet 140162, MedGen C0027672, MeSH D009386, MONDO:0015356.
Mitochondrial complex II deficiency, nuclear type 1. Also called: SUCCINATE CoQ REDUCTASE DEFICIENCY. Identifiers: Orphanet 3208, MedGen C5700310, MONDO:0100294, OMIM 252011.
Pheochromocytoma/paraganglioma syndrome 5. Also called: Paragangliomas 5; SDHA-Related Hereditary Paraganglioma-Pheochromocytoma Syndrome. Identifiers: Orphanet 29072, MedGen C3279992, MONDO:0013602, OMIM 614165.

Allele frequency attached by ClinVar (database versions not stated): gnomAD exomes below 0.00001.
gnomAD v4.1: 1 of 1,613,960 alleles (0.000062%); highest among the groups gnomAD compares: Non-Finnish European, 0.000085%; no homozygotes.

Submissions (4):

Myriad Genetics, Inc.
Classification: Likely pathogenic for Pheochromocytoma/paraganglioma syndrome 5. Last evaluated: 2026-05-08. Review status: criteria provided, single submitter. Criteria: Myriad Autosomal Dominant, Autosomal Recessive and X-Linked Classification Criteria (2023). Collection method: clinical testing. Allele origin: unknown.
Comment: This variant is considered likely pathogenic. This variant occurs within a consensus splice junction and is predicted to result in abnormal mRNA splicing of either an out-of-frame exon or an in-frame exon necessary for protein stability and/or normal function.

Labcorp Genetics (formerly Invitae), Labcorp
Classification: Likely pathogenic for Pheochromocytoma/paraganglioma syndrome 5; Mitochondrial complex II deficiency, nuclear type 1. Last evaluated: 2022-03-17. Review status: criteria provided, single submitter. Criteria: Invitae Variant Classification Sherloc (09022015). Collection method: clinical testing. Allele origin: germline.
Comment: Algorithms developed to predict the effect of sequence changes on RNA splicing suggest that this variant may disrupt the consensus splice site. ClinVar contains an entry for this variant (Variation ID: 232169). This variant has not been reported in the literature in individuals affected with SDHA-related conditions. This variant is not present in population databases (gnomAD no frequency). This sequence change affects a donor splice site in intron 13 of the SDHA gene. It is expected to disrupt RNA splicing. Variants that disrupt the donor or acceptor splice site typically lead to a loss of protein function (PMID: 16199547), and loss-of-function variants in SDHA are known to be pathogenic (PMID: 22974104, 24781757). In summary, the currently available evidence indicates that the variant is pathogenic, but additional data are needed to prove that conclusively. Therefore, this variant has been classified as Likely Pathogenic.

Sema4
Classification: Likely pathogenic for Hereditary cancer-predisposing syndrome. Last evaluated: 2022-03-12. Review status: criteria provided, single submitter. Criteria: Sema4 Curation Guidelines. Collection method: curation. Allele origin: germline.
Comment: To the best of our knowledge, the SDHA c.1794+1G>A variant has not been reported in individuals with SDHA-related disease. This variant is predicted to abolish the canonical splice site leading to an abnormal or absent protein (loss of function). Loss of function variants in SDHA are known to be pathogenic (PMID: 22974104). This variant is not reported in the population database Genome Aggregation Database (PMID: 32461654). The variant has been reported in ClinVar (Variation ID: 232169). Based on the current evidence available, this variant is interpreted as likely pathogenic.

Ambry Genetics
Classification: Likely pathogenic for Hereditary cancer-predisposing syndrome. Last evaluated: 2017-01-20. Review status: criteria provided, single submitter. Criteria: Ambry Variant Classification Scheme 2023. Collection method: clinical testing. Allele origin: germline.
Comment: The c.1794+1G>A intronic variant results from a G to A substitution one nucleotide after coding exon 13 of the SDHA gene. This nucleotide position is highly conserved in available vertebrate species. Using the BDGP and ESEfinder splice site prediction tools, this alteration is predicted to abolish the native splice donor site; however, direct evidence is unavailable. Alterations that disrupt the canonical splice site are expected to cause aberrant splicing, resulting in an abnormal protein or a transcript that is subject to nonsense-mediated mRNA decay. As such, this alteration is classified as likely pathogenic.

Literature cited by the submitters: PubMed 16199547 (cited by Labcorp Genetics (formerly Invitae), Labcorp); PubMed 22974104 (cited by Labcorp Genetics (formerly Invitae), Labcorp and Sema4); PubMed 24781757 (cited by Labcorp Genetics (formerly Invitae), Labcorp).